The following is an entry in ClinVar:

NM_004211.5(SLC6A5):c.1624+5A>G

Gene: SLC6A5 (solute carrier family 6 member 5; plus strand). Cytogenetic location: 11p15.1.
Variant type: single nucleotide variant.
Coding change: c.1624+5A>G on transcript NM_004211.5 (MANE Select); 5 bases into the intron after coding-DNA position 1624, A replaced by G.
Molecular consequence: intron variant.
Genome position (GRCh38, 1-based): chr11:20,630,820, A>G. VCF-style: chr11-20630820-A-G. GRCh37 (hg19) VCF-style: chr11-20652366-A-G.
Other names: c.922+5A>G (NM_001318369.2).
Identifiers: ClinVar variation 2197174 (VCV002197174.4), dbSNP rs1258434406, ClinGen allele CA597487417.

ClinVar aggregate classification (germline): Uncertain significance (1 of 4 stars; one submission).

Conditions:
Hyperekplexia 3 (HKPX3). Also called: HYPEREKPLEXIA 3, AUTOSOMAL RECESSIVE; HYPEREKPLEXIA 3, AUTOSOMAL DOMINANT. Identifiers: Orphanet 3197, MedGen C3553288, MONDO:0013827, OMIM 614618.

Allele frequency attached by ClinVar (database versions not stated): gnomAD exomes below 0.00001.
gnomAD v4.1: 2 of 1,614,156 alleles (0.00012%); highest among the groups gnomAD compares: Admixed American, 0.0017%; no homozygotes.

Submission:

Labcorp Genetics (formerly Invitae), Labcorp
Classification: Uncertain significance for Hyperekplexia 3. Last evaluated: 2022-08-19. Review status: criteria provided, single submitter. Criteria: Invitae Variant Classification Sherloc (09022015). Collection method: clinical testing. Allele origin: germline.
Comment: Variants that disrupt the consensus splice site are a relatively common cause of aberrant splicing (PMID: 17576681, 9536098). Algorithms developed to predict the effect of sequence changes on RNA splicing suggest that this variant is not likely to affect RNA splicing. This sequence change falls in intron 10 of the SLC6A5 gene. It does not directly change the encoded amino acid sequence of the SLC6A5 protein. It affects a nucleotide within the consensus splice site. This variant is present in population databases (no rsID available, gnomAD 0.003%). This variant has not been reported in the literature in individuals affected with SLC6A5-related conditions. In summary, the available evidence is currently insufficient to determine the role of this variant in disease. Therefore, it has been classified as a Variant of Uncertain Significance.

Literature cited by the submitters: PubMed 17576681; PubMed 9536098.